The following continues an entry in ClinVar:

NM_000059.4(BRCA2):c.7625C>T (p.Thr2542Met)

Gene: BRCA2. ClinVar aggregate classification (germline): Conflicting classifications of pathogenicity. Uncertain significance (8); Likely benign (3).

Submissions 8 to 13 of 13:

Women's Health and Genetics/Laboratory Corporation of America, LabCorp
Classification: Uncertain significance. Last evaluated: 2023-01-27. Review status: criteria provided, single submitter. Criteria: LabCorp Variant Classification Summary - May 2015. Collection method: clinical testing. Allele origin: germline.
Comment: Variant summary: BRCA2 c.7625C>T (p.Thr2542Met) results in a non-conservative amino acid change located in the helical domain (IPR015252) of the encoded protein sequence. Four of five in-silico tools predict a benign effect of the variant on protein function. The variant allele was found at a frequency of 4e-06 in 250756 control chromosomes (gnomAD v2.1). In a recent large study evaluating breast cancer cases and controls in the Breast Cancer Association Consortium (BCAC), the variant was reported in 5/60466 cases, but was also found in 3/53461 controls (Dorling_2021, through LOVD). To our knowledge, no experimental evidence demonstrating an impact on protein function has been reported. Eight other submitters have provided clinical-significance assessments for this variant in ClinVar after 2014, and classified the variant as VUS (n=6) or likely benign (n=2). Based on the evidence outlined above, the variant was classified as VUS-possibly pathogenic.

National Health Laboratory Service, Universitas Academic Hospital and University of the Free State
Classification: Likely benign for Hereditary breast ovarian cancer syndrome. Last evaluated: 2021-11-16. Review status: criteria provided, single submitter. Criteria: ACMG Guidelines, 2015. Collection method: clinical testing. Allele origin: germline. Affected: yes. Observed: 1 variant allele.

Fulgent Genetics
Classification: Uncertain significance for Familial cancer of breast; Medulloblastoma; Familial prostate cancer; Esophageal atresia/tracheoesophageal fistula; Wilms tumor 1; Fanconi anemia complementation group D1; Breast-ovarian cancer, familial, susceptibility to, 2; Glioma susceptibility 3; Pancreatic cancer, susceptibility to, 2. Last evaluated: 2017-05-23. Review status: criteria provided, single submitter. Criteria: ACMG Guidelines, 2015. Collection method: clinical testing. Allele origin: unknown.

Ambry Genetics
Classification: Likely benign for Hereditary cancer-predisposing syndrome. Last evaluated: 2017-02-09. Review status: criteria provided, single submitter. Criteria: Ambry Variant Classification Scheme 2023. Collection method: clinical testing. Allele origin: germline.

Sharing Clinical Reports Project (SCRP)
Classification: Uncertain significance for Breast-ovarian cancer, familial 2. Last evaluated: 2012-05-01. Review status: no assertion criteria provided. Collection method: clinical testing. Allele origin: germline. Not counted in ClinVar's aggregate classification.

Department of Pathology and Laboratory Medicine, Sinai Health System
Classification: Uncertain significance for Breast-ovarian cancer, familial, susceptibility to, 2. Review status: no assertion criteria provided. Collection method: clinical testing. Allele origin: unknown. Affected: yes. Study: The Canadian Open Genetics Repository (COGR). Not counted in ClinVar's aggregate classification.
Comment: The p.Thr2542 residue is not conserved in mammals and the variant amino acid methionine (Met) is present in chimp, macaque, rat, dog, cat and opossum, increasing the likelihood that this variant does not have clinical significance. In addition, Akbari (2008) notes that structural crystallography in the region of the variant shows that the p.Thr2542 residue does not have a special role in the secondary structure of the BRCA2 protein. Computational analyses (PolyPhen-2, SIFT, AlignGVGD) do not suggest a high likelihood of impact to the protein; however, this information is not predictive enough to rule out pathogenicity. In summary, based on the above information, the clinical significance of this variant cannot be determined with certainty at this time. This variant is classified as a variant of unknown significance.

Literature cited by the submitters: PubMed 17724471 (cited by 4 submitters); PubMed 30982232 (cited by 4 submitters); PubMed 32947577 (cited by 3 submitters); PubMed 22072316 (cited by Quest Diagnostics Nichols Institute San Juan Capistrano and Women's Health and Genetics/Laboratory Corporation of America, LabCorp); PubMed 39779848 (cited by Quest Diagnostics Nichols Institute San Juan Capistrano); PubMed 39779857 (cited by Quest Diagnostics Nichols Institute San Juan Capistrano); PubMed 29884841 (cited by Quest Diagnostics Nichols Institute San Juan Capistrano and Women's Health and Genetics/Laboratory Corporation of America, LabCorp); PubMed 31853058 (cited by Quest Diagnostics Nichols Institute San Juan Capistrano and Women's Health and Genetics/Laboratory Corporation of America, LabCorp); PubMed 33471991 (cited by 3 submitters); PubMed 32467295 (cited by Quest Diagnostics Nichols Institute San Juan Capistrano and Women's Health and Genetics/Laboratory Corporation of America, LabCorp); PubMed 1772447 (cited by Color Diagnostics, LLC DBA Color Health); PubMed 16760289 (cited by Color Diagnostics, LLC DBA Color Health and Women's Health and Genetics/Laboratory Corporation of America, LabCorp); PubMed 30787465 (cited by Women's Health and Genetics/Laboratory Corporation of America, LabCorp); DOI 10.3389/fgene.2022.834265 (cited by National Health Laboratory Service, Universitas Academic Hospital and University of the Free State).